The following is an entry in ClinVar:

ClinVar aggregate classification (germline): Uncertain significance (1 of 4 stars; one submission).

Conditions:
Familial melanoma. Also called: Hereditary melanoma; Hereditary cutaneous melanoma. Identifiers: Orphanet 618, MedGen C1512419, MONDO:0018961.

Submission:

Labcorp Genetics (formerly Invitae), Labcorp
Classification: Uncertain significance for Familial melanoma. Last evaluated: 2022-05-02. Review status: criteria provided, single submitter. Criteria: Invitae Variant Classification Sherloc (09022015). Collection method: clinical testing. Allele origin: germline.
Comment: In summary, the available evidence is currently insufficient to determine the role of this variant in disease. Therefore, it has been classified as a Variant of Uncertain Significance. Algorithms developed to predict the effect of missense changes on protein structure and function are either unavailable or do not agree on the potential impact of this missense change (SIFT: "Deleterious"; PolyPhen-2: "Benign"; Align-GVGD: "Class C0"). This variant has not been reported in the literature in individuals affected with CDK4-related conditions. This variant is not present in population databases (gnomAD no frequency). This sequence change replaces serine, which is neutral and polar, with glycine, which is neutral and non-polar, at codon 28 of the CDK4 protein (p.Ser28Gly).

NM_000075.4(CDK4):c.82A>G (p.Ser28Gly)

Gene: CDK4 (cyclin dependent kinase 4; minus strand). Cytogenetic location: 12q14.1.
Variant type: single nucleotide variant.
Coding change: c.82A>G on transcript NM_000075.4 (MANE Select); coding-DNA position 82, A replaced by G.
Protein change: p.Ser28Gly; replaces serine 28 with glycine.
Molecular consequence: missense variant.
Genome position (GRCh38, 1-based): chr12:57,751,636, T>C on the plus strand (A>G on the coding strand, the complement: CDK4 is on the minus strand). VCF-style: chr12-57751636-T-C. GRCh37 (hg19) VCF-style: chr12-58145419-T-C.
Other names: short protein forms S28G.
Identifiers: ClinVar variation 2132997 (VCV002132997.4), dbSNP rs2140388551, ClinGen allele CA385548967.